The following is an entry in ClinVar:

ClinVar aggregate classification (germline): Pathogenic (1 of 4 stars; one submission).

Conditions:
Microcephaly, normal intelligence and immunodeficiency (NBS). Also called: BERLIN BREAKAGE SYNDROME; Ataxia telangiectasia variant V1; Immunodeficiency, microcephaly with normal intelligence; IMMUNODEFICIENCY, MICROCEPHALY, AND CHROMOSOMAL INSTABILITY; SEEMANOVA SYNDROME II; Nijmegen breakage syndrome. Identifiers: Orphanet 647, MedGen C0398791, MONDO:0009623, OMIM 251260.

Submission:

Labcorp Genetics (formerly Invitae), Labcorp
Classification: Pathogenic for Microcephaly, normal intelligence and immunodeficiency. Last evaluated: 2022-11-08. Review status: criteria provided, single submitter. Criteria: Invitae Variant Classification Sherloc (09022015). Collection method: clinical testing. Allele origin: germline.
Comment: For these reasons, this variant has been classified as Pathogenic. This variant disrupts a region of the NBN protein in which other variant(s) (p.Gln730Thrfs*12) have been determined to be pathogenic (Invitae). This suggests that this is a clinically significant region of the protein, and that variants that disrupt it are likely to be disease-causing. This variant has not been reported in the literature in individuals affected with NBN-related conditions. This variant is not present in population databases (gnomAD no frequency). This sequence change creates a premature translational stop signal (p.Pro700Thrfs*42) in the NBN gene. While this is not anticipated to result in nonsense mediated decay, it is expected to disrupt the last 55 amino acid(s) of the NBN protein.

NM_002485.5(NBN):c.2097_2098insA (p.Pro700fs)

Gene: NBN (nibrin; minus strand). Cytogenetic location: 8q21.3.
Variant type: Insertion.
Coding change: c.2097_2098insA on transcript NM_002485.5 (MANE Select); coding-DNA positions 2097 to 2098, A inserted.
Protein change: p.Pro700fs; shifts the reading frame from proline 700.
Molecular consequence: frameshift variant.
Genome position: GRCh38 VCF-style: chr8-89943339-G-GT. GRCh37 (hg19) VCF-style: chr8-90955567-G-GT.
Other names: c.1851_1852insA, p.Pro618fs (NM_001024688.3); short protein forms P618fs, P700fs.
Identifiers: ClinVar variation 2812720 (VCV002812720.3), dbSNP rs2488191721, ClinGen allele CA2739268861.